The following is an entry in ClinVar:

NM_000487.6(ARSA):c.684+30_955del

Gene: ARSA (arylsulfatase A; minus strand). Cytogenetic location: 22q13.33.
Variant type: Deletion.
Coding change: c.684+30_955del on transcript NM_000487.6 (MANE Select); 30 bases into the intron after coding-DNA position 684 through coding-DNA position 955, 627 bases deleted.
Molecular consequence: splice acceptor variant, splice donor variant.
Genome position (GRCh38, 1-based): chr22:50,626,178-50,626,804, 627 bases deleted. GRCh37 (hg19): chr22:51,064,608-51,065,234.
Other names: c.426+30_697del (NM_001362782.2, NM_001085428.3); c.684+30_955del (NM_001085427.3, NM_001085426.3, NM_001085425.3).
Identifiers: ClinVar variation 4850943 (VCV004850943.2).

ClinVar aggregate classification (germline): Likely pathogenic (1 of 4 stars; one submission).

Conditions:
Metachromatic leukodystrophy (MLD). Also called: ARSA DEFICIENCY; CEREBROSIDE SULFATASE DEFICIENCY; METACHROMATIC LEUKOENCEPHALOPATHY; Cerebral sclerosis diffuse metachromatic form; Arylsulfatase A Deficiency; SULFATIDE LIPIDOSIS. Identifiers: Orphanet 512, MedGen C0023522, MONDO:0018868, OMIM 250100.

Submission:

Laboratory of Experimental Gene Therapy of Hereditary Metabolic Diseases, Research Centre for Medical Genetics
Classification: Likely pathogenic for Metachromatic leukodystrophy. Last evaluated: 2026-09-17. Review status: criteria provided, single submitter. Criteria: ARSA MLD Assertion Criteria V2 2026 09 18. Collection method: clinical testing. Allele origin: germline. Inheritance: Autosomal recessive inheritance. Affected: yes. Observed: 1 variant allele, 1 compound heterozygote.
Comment: Reassessed under ACMG/AMP 2015 with ClinGen SVI refinements and a Bayesian point framework (supporting=1, moderate=2, strong=4, very strong=8; 6-9 points=likely pathogenic; >=10 points=pathogenic). Final score: 8. Evidence applied: PVS1_VeryStrong. Observations from the present referral series were excluded from classification.